The following is an entry in ClinVar:

ClinVar aggregate classification (germline): Uncertain significance (1 of 4 stars; one submission).

Submission:

Ambry Genetics
Classification: Uncertain significance. Last evaluated: 2024-07-16. Review status: criteria provided, single submitter. Criteria: Ambry Variant Classification Scheme 2023. Collection method: clinical testing. Allele origin: germline.
Comment: The p.A130D variant (also known as c.389C>A), located in coding exon 1 of the EGLN1 gene, results from a C to A substitution at nucleotide position 389. The alanine at codon 130 is replaced by aspartic acid, an amino acid with dissimilar properties. This amino acid position is conserved. In addition, this alteration is predicted to be tolerated by in silico analysis. Based on the available evidence, the clinical significance of this variant remains unclear.

NM_022051.3(EGLN1):c.389C>A (p.Ala130Asp)

Gene: EGLN1 (egl-9 family hypoxia inducible factor 1; minus strand). Cytogenetic location: 1q42.2.
Variant type: single nucleotide variant.
Coding change: c.389C>A on transcript NM_022051.3 (MANE Select); coding-DNA position 389, C replaced by A.
Protein change: p.Ala130Asp; replaces alanine 130 with aspartic acid.
Molecular consequence: missense variant.
Genome position (GRCh38, 1-based): chr1:231,421,500, G>T on the plus strand (C>A on the coding strand, the complement: EGLN1 is on the minus strand). VCF-style: chr1-231421500-G-T. GRCh37 (hg19) VCF-style: chr1-231557246-G-T.
Other names: c.389C>A, p.Ala130Asp (NM_001377260.1, NM_001377261.1); short protein forms A130D.
Identifiers: ClinVar variation 3507202 (VCV003507202.1).